The following is an entry in ClinVar:

NM_005732.4(RAD50):c.1790T>G (p.Leu597Trp)

Gene: RAD50 (RAD50 double strand break repair protein; plus strand). Cytogenetic location: 5q31.1.
Variant type: single nucleotide variant.
Coding change: c.1790T>G on transcript NM_005732.4 (MANE Select); coding-DNA position 1790, T replaced by G.
Protein change: p.Leu597Trp; replaces leucine 597 with tryptophan.
Molecular consequence: missense variant.
Genome position (GRCh38, 1-based): chr5:132,592,031, T>G. VCF-style: chr5-132592031-T-G. GRCh37 (hg19) VCF-style: chr5-131927723-T-G.
Other names: short protein forms L597W.
Identifiers: ClinVar variation 1780189 (VCV001780189.2), dbSNP rs2479643932, ClinGen allele CA360946815.

ClinVar aggregate classification (germline): Uncertain significance (1 of 4 stars; one submission).

Conditions:
Hereditary cancer-predisposing syndrome. Also called: Neoplastic Syndromes, Hereditary; Tumor predisposition; Hereditary Cancer Syndrome; Hereditary neoplastic syndrome. Identifiers: Orphanet 140162, MedGen C0027672, MeSH D009386, MONDO:0015356.

Submission:

Ambry Genetics
Classification: Uncertain significance for Hereditary cancer-predisposing syndrome. Last evaluated: 2021-09-11. Review status: criteria provided, single submitter. Criteria: Ambry Variant Classification Scheme 2023. Collection method: clinical testing. Allele origin: germline.
Comment: The p.L597W variant (also known as c.1790T>G), located in coding exon 11 of the RAD50 gene, results from a T to G substitution at nucleotide position 1790. The leucine at codon 597 is replaced by tryptophan, an amino acid with similar properties. This amino acid position is conserved. In addition, this alteration is predicted to be tolerated by in silico analysis. Since supporting evidence is limited at this time, the clinical significance of this alteration remains unclear.